The following is an entry in ClinVar:

ClinVar aggregate classification (germline): Pathogenic (1 of 4 stars; one submission).

Conditions:
Muscular dystrophy-dystroglycanopathy (congenital with impaired intellectual development), type B, 3. Also called: MUSCULAR DYSTROPHY, CONGENITAL, POMGNT1-RELATED; Muscular dystrophy-dystroglycanopathy (congenital with intellectual disability), type B3. Identifiers: MedGen C3150412, MONDO:0013155, OMIM 613151.
Autosomal recessive limb-girdle muscular dystrophy type 2O. Also called: MUSCULAR DYSTROPHY-DYSTROGLYCANOPATHY (LIMB-GIRDLE), TYPE C, 3; Limb-Girdle Muscular Dystrophy Type 3C; MUSCULAR DYSTROPHY-DYSTROGLYCANOPATHY, LIMB-GIRDLE, POMGNT1-RELATED. Identifiers: Orphanet 206564, MedGen C3150417, MONDO:0013161, OMIM 613157.

Allele frequency attached by ClinVar (database versions not stated): TOPMed below 0.00001.

Submission:

Labcorp Genetics (formerly Invitae), Labcorp
Classification: Pathogenic for Autosomal recessive limb-girdle muscular dystrophy type 2O; Muscular dystrophy-dystroglycanopathy (congenital with impaired intellectual development), type B, 3. Last evaluated: 2022-03-12. Review status: criteria provided, single submitter. Criteria: Invitae Variant Classification Sherloc (09022015). Collection method: clinical testing. Allele origin: germline.
Comment: This sequence change creates a premature translational stop signal (p.Lys471*) in the POMGNT1 gene. It is expected to result in an absent or disrupted protein product. Loss-of-function variants in POMGNT1 are known to be pathogenic (PMID: 19299310, 20816175, 21447391, 26908613, 27391550). This variant is not present in population databases (gnomAD no frequency). This variant has not been reported in the literature in individuals affected with POMGNT1-related conditions. For these reasons, this variant has been classified as Pathogenic.

Literature cited by the submitters: PubMed 19299310; PubMed 20816175; PubMed 21447391; PubMed 26908613; PubMed 27391550.

NM_017739.4(POMGNT1):c.1411A>T (p.Lys471Ter)

Genes: POMGNT1 (protein O-linked mannose N-acetylglucosaminyltransferase 1 (beta 1,2-); minus strand), TSPAN1 (tetraspanin 1; plus strand). Cytogenetic location: 1p34.1.
Variant type: single nucleotide variant.
Coding change: c.1411A>T on transcript NM_017739.4 (MANE Select); coding-DNA position 1411, A replaced by T.
Protein change: p.Lys471Ter; replaces lysine 471 with a stop codon.
Molecular consequence: nonsense.
Genome position (GRCh38, 1-based): chr1:46,192,310, T>A on the plus strand (A>T on the coding strand, the complement: POMGNT1 is on the minus strand). VCF-style: chr1-46192310-T-A. GRCh37 (hg19) VCF-style: chr1-46657982-T-A.
Other names: c.1411A>T, p.Lys471Ter (NM_001243766.2, NM_001410783.1); c.1345A>T, p.Lys449Ter (NM_001290129.3); c.982A>T, p.Lys328Ter (NM_001290130.2); short protein forms K328*, K449*, K471*.
Identifiers: ClinVar variation 1919294 (VCV001919294.5), dbSNP rs1038334168, ClinGen allele CA21912515.